The following is an entry in ClinVar:

ClinVar aggregate classification (germline): Uncertain significance (1 of 4 stars; one submission).

Submission:

Labcorp Genetics (formerly Invitae), Labcorp
Classification: Uncertain significance. Last evaluated: 2022-02-10. Review status: criteria provided, single submitter. Criteria: Invitae Variant Classification Sherloc (09022015). Collection method: clinical testing. Allele origin: germline.
Comment: In summary, the available evidence is currently insufficient to determine the role of this variant in disease. Therefore, it has been classified as a Variant of Uncertain Significance. Algorithms developed to predict the effect of missense changes on protein structure and function are either unavailable or do not agree on the potential impact of this missense change (SIFT: "Deleterious"; PolyPhen-2: "Probably Damaging"; Align-GVGD: "Class C0"). This variant has not been reported in the literature in individuals affected with GNAS-related conditions. This variant is not present in population databases (gnomAD no frequency). This sequence change replaces alanine, which is neutral and non-polar, with aspartic acid, which is acidic and polar, at codon 175 of the GNAS protein (p.Ala175Asp).

NM_000516.7(GNAS):c.524C>A (p.Ala175Asp)

Gene: GNAS (GNAS complex locus; plus strand). Cytogenetic location: 20q13.32.
Variant type: single nucleotide variant.
Coding change: c.524C>A on transcript NM_000516.7 (MANE Select); coding-DNA position 524, C replaced by A.
Protein change: p.Ala175Asp; replaces alanine 175 with aspartic acid.
Molecular consequence: missense variant. On other transcripts: 3 prime UTR variant (2).
Genome position (GRCh38, 1-based): chr20:58,905,474, C>A. VCF-style: chr20-58905474-C-A. GRCh37 (hg19) VCF-style: chr20-57480529-C-A.
Other names: c.*385C>A (NM_001077490.3); c.347C>A, p.Ala116Asp (NM_001309840.2, NM_001309861.2); c.428C>A, p.Ala143Asp (NM_001410912.1); c.2408C>A, p.Ala803Asp (NM_001410913.1); c.*430C>A (NM_016592.5); c.2453C>A, p.Ala818Asp (NM_080425.4); c.482C>A, p.Ala161Asp (NM_080426.4); c.527C>A, p.Ala176Asp (NM_001077488.5); and 1 more; short protein forms A143D, A803D, A818D, A116D, A176D, A160D, A161D, A175D.
Identifiers: ClinVar variation 2042046 (VCV002042046.4), dbSNP rs77096466, ClinGen allele CA409451350.
Genomic context (GRCh38, chr20:58,905,474, plus strand): 5'-AGGATGAAGGAGTGCGTGCCTGCTACGAACGCTCCAACGAGTACCAGCTGATTGACTGTG[C>A]CCAGTAGTAAGTAACCGCCACCCAACCCATCAGCACATAAAACAGACAAAAACAAGAAAA-3'
Protein context (NP_000507.1, residues 165-185): RSNEYQLIDC[Ala175Asp]QYFLDKIDVI